The following is an entry in ClinVar:

ClinVar aggregate classification (germline): Conflicting classifications of pathogenicity. Review status: criteria provided, conflicting classifications (1 of 4 stars). 4 submissions from 4 submitters: Uncertain significance (1); Likely benign (3). Last evaluated 2026-01-18.

Conditions:
Microcephaly 20, primary, autosomal recessive. Identifiers: MedGen C4693572, MONDO:0054761, OMIM 617914.
Inborn genetic diseases. Identifiers: MedGen C0950123, MeSH D030342.

Allele frequency attached by ClinVar (database versions not stated): 1000 Genomes Project 30x 0.00016; 1000 Genomes Project 0.00020; gnomAD 0.00026 and 0.00032; ESP Exome Variant Server 0.00038; TOPMed 0.00043; gnomAD exomes 0.00053 and 0.00062; ExAC 0.00059.
gnomAD v4.1: 835 of 1,613,964 alleles (0.052%); highest among the groups gnomAD compares: Middle Eastern, 0.18%; 2 homozygotes.

Submissions (4):

Labcorp Genetics (formerly Invitae), Labcorp
Classification: Likely benign. Last evaluated: 2026-01-18. Review status: criteria provided, single submitter. Criteria: Invitae Variant Classification Sherloc (09022015). Collection method: clinical testing. Allele origin: germline.

CeGaT Center for Human Genetics Tuebingen
Classification: Likely benign. Last evaluated: 2025-08-01. Review status: criteria provided, single submitter. Criteria: CeGaT Center For Human Genetics Tuebingen Variant Classification Criteria Version 2. Collection method: clinical testing. Allele origin: germline. Affected: yes. Observed: 3 variant alleles.
Comment: KIF14: BP4

Ambry Genetics
Classification: Likely benign for Inborn genetic diseases. Last evaluated: 2024-01-24. Review status: criteria provided, single submitter. Criteria: Ambry Variant Classification Scheme 2023. Collection method: clinical testing. Allele origin: germline.

Baylor Genetics
Classification: Uncertain significance for Microcephaly 20, primary, autosomal recessive. Last evaluated: 2018-09-19. Review status: criteria provided, single submitter. Criteria: ACMG Guidelines, 2015. Collection method: clinical testing. Allele origin: unknown. Affected: yes.
Comment: This variant was determined to be of uncertain significance according to ACMG Guidelines, 2015 [PMID:25741868].

NM_014875.3(KIF14):c.4843G>A (p.Gly1615Ser)

Gene: KIF14 (kinesin family member 14; minus strand). Cytogenetic location: 1q32.1.
Variant type: single nucleotide variant.
Coding change: c.4843G>A on transcript NM_014875.3 (MANE Select); coding-DNA position 4843, G replaced by A.
Protein change: p.Gly1615Ser; replaces glycine 1615 with serine.
Molecular consequence: missense variant.
Genome position (GRCh38, 1-based): chr1:200,553,492, C>T on the plus strand (G>A on the coding strand, the complement: KIF14 is on the minus strand). VCF-style: chr1-200553492-C-T. GRCh37 (hg19) VCF-style: chr1-200522620-C-T.
Other names: c.3370G>A, p.Gly1124Ser (NM_001305792.1); short protein forms G1124S, G1615S.
Identifiers: ClinVar variation 740813 (VCV000740813.33), dbSNP rs146186348, ClinGen allele CA1316901.
Genomic context (GRCh38, chr1:200,553,492, plus strand): 5'-CTGCTGGGGATGAGCCATGGAGCTCATAGACACGCTTTGGTACACCTTTATTCTTACTGC[C>T]GTCAATCCCGCTTGATTTAGATTGTTGGTGTTCTTCTTTGGTATTTTGATTATAAGTTTC-3'
Protein context (NP_055690.1, residues 1605-1625): HQQSKSSGID[Gly1615Ser]SKNKGVPKRV